The following is an entry in ClinVar:

NM_002334.4(LRP4):c.2374G>A (p.Val792Ile)

Gene: LRP4 (LDL receptor related protein 4; minus strand). Cytogenetic location: 11p11.2.
Variant type: single nucleotide variant.
Coding change: c.2374G>A on transcript NM_002334.4 (MANE Select); coding-DNA position 2374, G replaced by A.
Protein change: p.Val792Ile; replaces valine 792 with isoleucine.
Molecular consequence: missense variant.
Genome position (GRCh38, 1-based): chr11:46,886,375, C>T on the plus strand (G>A on the coding strand, the complement: LRP4 is on the minus strand). VCF-style: chr11-46886375-C-T. GRCh37 (hg19) VCF-style: chr11-46907926-C-T.
Other names: short protein forms V792I.
Identifiers: ClinVar variation 878119 (VCV000878119.8), dbSNP rs190872977, ClinGen allele CA5969922.

ClinVar aggregate classification (germline): Uncertain significance. Review status: criteria provided, multiple submitters, no conflicts (2 of 4 stars). 3 submissions from 3 submitters: Uncertain significance (3). Last evaluated 2025-02-10.

Conditions:
Sclerosteosis 2 (SOST2). Identifiers: Orphanet 3152, MedGen C3280402, MONDO:0013679, OMIM 614305.
Cenani-Lenz syndactyly syndrome. Also called: SYNDACTYLY, TYPE VII; CENANI SYNDACTYLISM. Identifiers: Orphanet 3258, MedGen C1859309, MONDO:0008931, OMIM 212780.
Congenital myasthenic syndrome 17. Identifiers: Orphanet 590, MedGen C4225377, MONDO:0014578, OMIM 616304.

Allele frequency attached by ClinVar (database versions not stated): TOPMed 0.00001; gnomAD exomes 0.00003 and 0.00007; ExAC 0.00006; gnomAD 0.00001 and 0.00002; 1000 Genomes Project 30x 0.00016; 1000 Genomes Project 0.00020.
gnomAD v4.1: 98 of 1,606,836 alleles (0.0061%); highest among the groups gnomAD compares: East Asian, 0.22%; 1 homozygote.

Submissions (3):

Labcorp Genetics (formerly Invitae), Labcorp
Classification: Uncertain significance for Cenani-Lenz syndactyly syndrome; Sclerosteosis 2; Congenital myasthenic syndrome 17. Last evaluated: 2025-02-10. Review status: criteria provided, single submitter. Criteria: Invitae Variant Classification Sherloc (09022015). Collection method: clinical testing. Allele origin: germline.
Comment: This sequence change replaces valine, which is neutral and non-polar, with isoleucine, which is neutral and non-polar, at codon 792 of the LRP4 protein (p.Val792Ile). This variant is present in population databases (rs190872977, gnomAD 0.04%). This variant has not been reported in the literature in individuals affected with LRP4-related conditions. ClinVar contains an entry for this variant (Variation ID: 878119). Invitae Evidence Modeling of protein sequence and biophysical properties (such as structural, functional, and spatial information, amino acid conservation, physicochemical variation, residue mobility, and thermodynamic stability) indicates that this missense variant is not expected to disrupt LRP4 protein function with a negative predictive value of 80%. In summary, the available evidence is currently insufficient to determine the role of this variant in disease. Therefore, it has been classified as a Variant of Uncertain Significance.

Fulgent Genetics
Classification: Uncertain significance for Cenani-Lenz syndactyly syndrome; Sclerosteosis 2; Congenital myasthenic syndrome 17. Last evaluated: 2024-01-29. Review status: criteria provided, single submitter. Criteria: ACMG Guidelines, 2015. Collection method: clinical testing. Allele origin: germline.

Illumina Laboratory Services, Illumina
Classification: Uncertain significance for Cenani-Lenz syndactyly syndrome. Last evaluated: 2018-01-13. Review status: criteria provided, single submitter. Criteria: ICSL Variant Classification Criteria 13 December 2019. Collection method: clinical testing. Allele origin: germline.